The following is an entry in ClinVar:

NM_001256106.3(CD101):c.1575C>G (p.Ser525Arg)

Gene: CD101 (CD101 molecule; plus strand). Cytogenetic location: 1p13.1.
Variant type: single nucleotide variant.
Coding change: c.1575C>G on transcript NM_001256106.3 (MANE Select); coding-DNA position 1575, C replaced by G.
Protein change: p.Ser525Arg; replaces serine 525 with arginine.
Molecular consequence: missense variant.
Genome position (GRCh38, 1-based): chr1:117,017,436, C>G. VCF-style: chr1-117017436-C-G. GRCh37 (hg19) VCF-style: chr1-117560058-C-G.
Other names: NC_000001.10:g.117560058C>G; c.1575C>G, p.Ser525Arg (NM_001256109.3, NM_004258.6); c.1389C>G, p.Ser463Arg (NM_001256111.3); short protein forms S463R, S525R.
Identifiers: ClinVar variation 1178176 (VCV001178176.4), dbSNP rs17235773, ClinGen allele CA1028376.
Genomic context (GRCh38, chr1:117,017,436, plus strand): 5'-CAGTGGCACATATGAGTGCAGAGTATCTGAGAAGTCTCGGAACCAGGCCAGAGATCTGAG[C>G]TGGACTCAGAAGATTTCAGTTACTGTAAAGTCTCTGGGTAAGTGTCAAAGGAAGTCCTTT-3'
Protein context (NP_001243035.1, residues 515-535): EKSRNQARDL[Ser525Arg]WTQKISVTVK

ClinVar aggregate classification (germline): Benign. Review status: criteria provided, multiple submitters, no conflicts (2 of 4 stars). 2 submissions from 2 submitters: Benign (2). Last evaluated 2021-02-23.

Allele frequency attached by ClinVar (database versions not stated): 1000 Genomes Project 0.03375; 1000 Genomes Project 30x 0.03592; TOPMed 0.05854; gnomAD exomes 0.06013 and 0.04913; gnomAD 0.05865 and 0.06276; ESP Exome Variant Server 0.06628; ExAC 0.05187.
gnomAD v4.1: 96,826 of 1,613,460 alleles (6%); highest among the groups gnomAD compares: Non-Finnish European, 6.7%; 3,270 homozygotes.

Submissions (13):

GeneDx
Classification: Benign. Last evaluated: 2021-02-23. Review status: criteria provided, single submitter. Criteria: GeneDx Variant Classification Process June 2021. Collection method: clinical testing. Allele origin: germline. Affected: yes.
Comment: This variant is associated with the following publications: (PMID: 29108000)

Breakthrough Genomics
Classification: Benign. Review status: criteria provided, single submitter. Criteria: ACMG Guidelines, 2015. Collection method: not provided. Allele origin: germline. Inheritance: Unknown mechanism. Affected: yes.

Dr. Peter K. Rogan Lab, Western University
No classification provided (evidence only). Condition: Colon adenocarcinoma. Review status: no classification provided. Collection method: in vitro. Allele origin: not applicable. Functional consequence: retained intron. Not counted in ClinVar's aggregate classification.

Dr. Peter K. Rogan Lab, Western University
No classification provided (evidence only). Condition: Colorectal cancer. Review status: no classification provided. Collection method: in vitro. Allele origin: not applicable. Functional consequence: retained intron. Not counted in ClinVar's aggregate classification.

Dr. Peter K. Rogan Lab, Western University
No classification provided (evidence only). Condition: Uterine carcinosarcoma. Review status: no classification provided. Collection method: in vitro. Allele origin: not applicable. Functional consequence: retained intron. Not counted in ClinVar's aggregate classification.

Dr. Peter K. Rogan Lab, Western University
No classification provided (evidence only). Condition: Uterine carcinosarcoma. Review status: no classification provided. Collection method: in vitro. Allele origin: not applicable. Functional consequence: retained intron. Not counted in ClinVar's aggregate classification.

Dr. Peter K. Rogan Lab, Western University
No classification provided (evidence only). Condition: Nonpapillary renal cell carcinoma. Review status: no classification provided. Collection method: in vitro. Allele origin: not applicable. Functional consequence: retained intron. Not counted in ClinVar's aggregate classification.

Dr. Peter K. Rogan Lab, Western University
No classification provided (evidence only). Condition: Thymoma. Review status: no classification provided. Collection method: in vitro. Allele origin: not applicable. Functional consequence: retained intron. Not counted in ClinVar's aggregate classification.

Dr. Peter K. Rogan Lab, Western University
No classification provided (evidence only). Condition: Cholangiocarcinoma. Review status: no classification provided. Collection method: in vitro. Allele origin: not applicable. Functional consequence: retained intron. Not counted in ClinVar's aggregate classification.

Dr. Peter K. Rogan Lab, Western University
No classification provided (evidence only). Condition: Colon adenocarcinoma. Review status: no classification provided. Collection method: in vitro. Allele origin: not applicable. Functional consequence: retained intron. Not counted in ClinVar's aggregate classification.

Dr. Peter K. Rogan Lab, Western University
No classification provided (evidence only). Condition: Colon adenocarcinoma. Review status: no classification provided. Collection method: in vitro. Allele origin: not applicable. Functional consequence: retained intron. Not counted in ClinVar's aggregate classification.

Dr. Peter K. Rogan Lab, Western University
No classification provided (evidence only). Condition: Cholangiocarcinoma. Review status: no classification provided. Collection method: in vitro. Allele origin: not applicable. Functional consequence: retained intron. Not counted in ClinVar's aggregate classification.

Dr. Peter K. Rogan Lab, Western University
No classification provided (evidence only). Condition: Adrenocortical carcinoma, hereditary. Review status: no classification provided. Collection method: in vitro. Allele origin: not applicable. Functional consequence: retained intron. Not counted in ClinVar's aggregate classification.